The following is an entry in ClinVar:

ClinVar aggregate classification (germline): Uncertain significance (1 of 4 stars; one submission).

Conditions:
Progressive familial heart block type IB (PFHB1B). Identifiers: Orphanet 871, MedGen C1970298, MONDO:0011474, OMIM 604559.

gnomAD v4.1: 31 of 1,613,566 alleles (0.0019%); highest among the groups gnomAD compares: Non-Finnish European, 0.0025%; no homozygotes.

Submission:

Labcorp Genetics (formerly Invitae), Labcorp
Classification: Uncertain significance for Progressive familial heart block type IB. Last evaluated: 2026-01-20. Review status: criteria provided, single submitter. Criteria: Invitae Variant Classification Sherloc (09022015). Collection method: clinical testing. Allele origin: germline.
Comment: This sequence change replaces glutamic acid, which is acidic and polar, with valine, which is neutral and non-polar, at codon 996 of the TRPM4 protein (p.Glu996Val). This variant is present in population databases (rs567000305, gnomAD 0.0009%). This variant has not been reported in the literature in individuals affected with TRPM4-related conditions. An algorithm developed to predict the effect of missense changes on protein structure and function (PolyPhen-2) suggests that this variant is likely to be tolerated. In summary, the available evidence is currently insufficient to determine the role of this variant in disease. Therefore, it has been classified as a Variant of Uncertain Significance.

NM_017636.4(TRPM4):c.2987A>T (p.Glu996Val)

Gene: TRPM4 (transient receptor potential cation channel subfamily M member 4; plus strand). Cytogenetic location: 19q13.33.
Variant type: single nucleotide variant.
Coding change: c.2987A>T on transcript NM_017636.4 (MANE Select); coding-DNA position 2987, A replaced by T.
Protein change: p.Glu996Val; replaces glutamic acid 996 with valine.
Molecular consequence: missense variant.
Genome position (GRCh38, 1-based): chr19:49,201,997, A>T. VCF-style: chr19-49201997-A-T. GRCh37 (hg19) VCF-style: chr19-49705254-A-T.
Other names: c.2552A>T, p.Glu851Val (NM_001195227.2); c.2642A>T, p.Glu881Val (NM_001321281.2); c.1379A>T, p.Glu460Val (NM_001321282.2); c.2465A>T, p.Glu822Val (NM_001321283.2); c.1925A>T, p.Glu642Val (NM_001321285.2); short protein forms E460V, E881V, E996V, E822V, E642V, E851V.
Identifiers: ClinVar variation 4766137 (VCV004766137.1).